The following is an entry in ClinVar:

NM_005236.3(ERCC4):c.979C>T (p.Leu327=)

Gene: ERCC4 (ERCC excision repair 4, endonuclease catalytic subunit; plus strand). Cytogenetic location: 16p13.12.
Variant type: single nucleotide variant.
Coding change: c.979C>T on transcript NM_005236.3 (MANE Select); coding-DNA position 979, C replaced by T.
Protein change: p.Leu327=; no amino-acid change (leucine 327 retained).
Molecular consequence: synonymous variant.
Genome position (GRCh38, 1-based): chr16:13,932,162, C>T. VCF-style: chr16-13932162-C-T. GRCh37 (hg19) VCF-style: chr16-14026019-C-T.
Identifiers: ClinVar variation 1692886 (VCV001692886.1), dbSNP rs2141949782, ClinGen allele CA493433230.

ClinVar aggregate classification (germline): Uncertain significance (1 of 4 stars; one submission).

Conditions:
Xeroderma pigmentosum (XP). Identifiers: Orphanet 910, MedGen C0043346, MONDO:0019600.

Submission:

Sema4
Classification: Uncertain significance for Xeroderma pigmentosum. Last evaluated: 2021-09-10. Review status: criteria provided, single submitter. Criteria: Sema4 Curation Guidelines. Collection method: curation. Allele origin: germline.
Comment: The ERCC4 c.979C>T (p.L327=) variant has not been reported in the literature to our knowledge. It was not observed in the large and broad cohorts of the Genome Aggregation Database, nor has it been reported in ClinVar. Splice site prediction tools suggest the variant may lead to the creation of a cryptic splice donor site, however these predictions have not been confirmed by transcriptional studies. The evidence is insufficient to meet ACMG/AMP criteria for classifying the variant as benign or pathogenic. Thus, the clinical significance of this variant is currently uncertain.